The following is an entry in ClinVar:

ClinVar aggregate classification (germline): Uncertain significance (1 of 4 stars; one submission).

Conditions:
RASopathy. Also called: rasopathies; Noonan spectrum disorder. Identifiers: Orphanet 536391, MedGen C5555857, MONDO:0021060.

Submission:

Labcorp Genetics (formerly Invitae), Labcorp
Classification: Uncertain significance for RASopathy. Last evaluated: 2024-06-07. Review status: criteria provided, single submitter. Criteria: Invitae Variant Classification Sherloc (09022015). Collection method: clinical testing. Allele origin: germline.
Comment: This sequence change replaces serine, which is neutral and polar, with arginine, which is basic and polar, at codon 1252 of the SOS1 protein (p.Ser1252Arg). This variant is not present in population databases (gnomAD no frequency). This variant has not been reported in the literature in individuals affected with SOS1-related conditions. Advanced modeling of protein sequence and biophysical properties (such as structural, functional, and spatial information, amino acid conservation, physicochemical variation, residue mobility, and thermodynamic stability) has been performed at Invitae for this missense variant, however the output from this modeling did not meet the statistical confidence thresholds required to predict the impact of this variant on SOS1 protein function. In summary, the available evidence is currently insufficient to determine the role of this variant in disease. Therefore, it has been classified as a Variant of Uncertain Significance.

NM_005633.4(SOS1):c.3756C>A (p.Ser1252Arg)

Gene: SOS1 (SOS Ras/Rac guanine nucleotide exchange factor 1; minus strand). Cytogenetic location: 2p22.1.
Variant type: single nucleotide variant.
Coding change: c.3756C>A on transcript NM_005633.4 (MANE Select); coding-DNA position 3756, C replaced by A.
Protein change: p.Ser1252Arg; replaces serine 1252 with arginine.
Molecular consequence: missense variant.
Genome position (GRCh38, 1-based): chr2:38,986,070, G>T on the plus strand (C>A on the coding strand, the complement: SOS1 is on the minus strand). VCF-style: chr2-38986070-G-T. GRCh37 (hg19) VCF-style: chr2-39213211-G-T.
Other names: c.3735C>A, p.Ser1245Arg (NM_001382394.1); c.3711C>A, p.Ser1237Arg (NM_001382395.1); short protein forms S1237R, S1252R, S1245R.
Identifiers: ClinVar variation 3670423 (VCV003670423.2).
Genomic context (GRCh38, chr2:38,986,070, plus strand): 5'-ATGCCTTCTTGTGCCGTGAGGAGAAGGTGTTTGAGGAGGAGGTGGTGTAAAGGGGGAAGG[G>T]CTGTTTGGGAAGAAGGCATTGCCATGGTCACTTTTTTTGCCCAAAGGGGGAGGTTGGAGA-3'
Protein context (NP_005624.2, residues 1242-1262): SDHGNAFFPN[Ser1252Arg]PSPFTPPPPQ